The following is an entry in ClinVar:

NM_001365536.1(SCN9A):c.1901G>C (p.Arg634Pro)

Genes: SCN9A (sodium voltage-gated channel alpha subunit 9; minus strand), SCN1A-AS1 (SCN1A and SCN9A antisense RNA 1; plus strand). Cytogenetic location: 2q24.3.
Variant type: single nucleotide variant.
Coding change: c.1901G>C on transcript NM_001365536.1 (MANE Select); coding-DNA position 1901, G replaced by C.
Protein change: p.Arg634Pro; replaces arginine 634 with proline.
Molecular consequence: missense variant.
Genome position (GRCh38, 1-based): chr2:166,284,526, C>G on the plus strand (G>C on the coding strand, the complement: SCN9A is on the minus strand). VCF-style: chr2-166284526-C-G. GRCh37 (hg19) VCF-style: chr2-167141036-C-G.
Other names: c.1901G>C, p.Arg634Pro (NM_002977.4); short protein forms R634P.
Identifiers: ClinVar variation 3757197 (VCV003757197.2).

ClinVar aggregate classification (germline): Uncertain significance (1 of 4 stars; one submission).

Conditions:
Neuropathy, hereditary sensory and autonomic, type 2A (HSAN2A). Also called: MORVAN DISEASE; NEUROPATHY, CONGENITAL SENSORY; NEUROPATHY, HEREDITARY SENSORY RADICULAR, AUTOSOMAL RECESSIVE; NEUROPATHY, HEREDITARY SENSORY, TYPE IIA; NEUROPATHY, PROGRESSIVE SENSORY, OF CHILDREN; ACROOSTEOLYSIS, GIACCAI TYPE. Identifiers: Orphanet 970, MedGen C2752089, MONDO:0024309, OMIM 201300.
Generalized epilepsy with febrile seizures plus, type 7 (GEFSP7). Also called: GEFS+, TYPE 7. Identifiers: Orphanet 36387, MedGen C2751778, MONDO:0013470, OMIM 613863.

Submission:

Labcorp Genetics (formerly Invitae), Labcorp
Classification: Uncertain significance for Neuropathy, hereditary sensory and autonomic, type 2A; Generalized epilepsy with febrile seizures plus, type 7. Last evaluated: 2024-07-10. Review status: criteria provided, single submitter. Criteria: Invitae Variant Classification Sherloc (09022015). Collection method: clinical testing. Allele origin: germline.
Comment: This sequence change replaces arginine, which is basic and polar, with proline, which is neutral and non-polar, at codon 634 of the SCN9A protein (p.Arg634Pro). This variant is not present in population databases (gnomAD no frequency). This variant has not been reported in the literature in individuals affected with SCN9A-related conditions. Advanced modeling of protein sequence and biophysical properties (such as structural, functional, and spatial information, amino acid conservation, physicochemical variation, residue mobility, and thermodynamic stability) performed at Invitae indicates that this missense variant is not expected to disrupt SCN9A protein function with a negative predictive value of 95%. In summary, the available evidence is currently insufficient to determine the role of this variant in disease. Therefore, it has been classified as a Variant of Uncertain Significance.